The following is an entry in ClinVar:

ClinVar aggregate classification (germline): Likely pathogenic (1 of 4 stars; one submission).

Conditions:
Multiple endocrine neoplasia, type 1 (MEN1). Also called: Endocrine adenomatosis multiple; MEN 1; MEA I; MEN I; WERMER SYNDROME. Identifiers: Orphanet 652, MedGen C0025267, MeSH D018761, MONDO:0007540, OMIM 131100.

Submission:

Women's Health and Genetics/Laboratory Corporation of America, LabCorp
Classification: Likely pathogenic for Multiple Endocrine Neoplasia Type 1. Last evaluated: 2011-08-18. Review status: criteria provided, single submitter. Criteria: LabCorp Variant Classification Summary - May 2015. Collection method: curation. Allele origin: germline. Inheritance: autosomal dominant. Affected: yes. Observed: 1 variant allele.
ClinVar note: Converted during submission from likely pathogenic to Likely pathogenic.

Literature cited by the submitters: PubMed 15714081.

NM_001370259.2(MEN1):c.955dup (p.Tyr319fs)

Gene: MEN1 (menin 1; minus strand). Cytogenetic location: 11q13.1.
Variant type: Duplication.
Coding change: c.955dup on transcript NM_001370259.2 (MANE Select); coding-DNA position 955, one base duplicated (T; older notation c.955dupT).
Protein change: p.Tyr319fs; shifts the reading frame from tyrosine 319.
Molecular consequence: frameshift variant.
Genome position (GRCh38, 1-based): chr11:64,806,326, A duplicated on the plus strand (T on the coding strand, the reverse complement: MEN1 is on the minus strand). VCF-style (leftmost placement, unchanged base first): chr11-64806325-T-TA. GRCh37 (hg19) VCF-style: chr11-64573797-T-TA.
Other names: c.970dupT (NM_000244.3); c.970dup, p.Tyr324fs (NM_000244.4, NM_130800.3, NM_130801.3 and 3 more transcripts); c.955dup, p.Tyr319fs (NM_001370251.2, NM_001370260.2, NM_001370261.2 and 1 more transcripts); c.850dup, p.Tyr284fs (NM_001370262.2, NM_001370263.2); short protein forms Y284fs, Y319fs, Y324fs.
Identifiers: ClinVar variation 36538 (VCV000036538.4), dbSNP rs386134261, ClinGen allele CA260475.